The following is an entry in ClinVar:

NM_000459.5(TEK):c.2865G>C (p.Leu955Phe)

Gene: TEK (TEK receptor tyrosine kinase; plus strand). Cytogenetic location: 9p21.2.
Variant type: single nucleotide variant.
Coding change: c.2865G>C on transcript NM_000459.5 (MANE Select); coding-DNA position 2865, G replaced by C.
Protein change: p.Leu955Phe; replaces leucine 955 with phenylalanine.
Molecular consequence: missense variant.
Genome position (GRCh38, 1-based): chr9:27,212,885, G>C. VCF-style: chr9-27212885-G-C. GRCh37 (hg19) VCF-style: chr9-27212883-G-C.
Other names: c.2736G>C, p.Leu912Phe (NM_001290077.2); c.2421G>C, p.Leu807Phe (NM_001290078.2); c.2862G>C, p.Leu954Phe (NM_001375475.1); c.2733G>C, p.Leu911Phe (NM_001375476.1); short protein forms L807F, L911F, L912F, L954F, L955F.
Identifiers: ClinVar variation 3238632 (VCV003238632.2), dbSNP rs2488989615.

ClinVar aggregate classification (germline): Uncertain significance. Review status: criteria provided, multiple submitters, no conflicts (2 of 4 stars). 2 submissions from 2 submitters: Uncertain significance (2). Last evaluated 2024-03-06.

Conditions:
Multiple cutaneous and mucosal venous malformations (VMCM). Also called: TEK-Related Multiple Cutaneous and Mucosal Venous Malformations (VMCM). Identifiers: Orphanet 2451, MedGen C1838437, MONDO:0010842, OMIM 600195.

Allele frequency attached by ClinVar (database versions not stated): gnomAD exomes below 0.00001.

Submissions (2):

Clinical Genomics Laboratory, Washington University in St. Louis
Classification: Uncertain significance for Multiple cutaneous and mucosal venous malformations. Last evaluated: 2024-03-06. Review status: criteria provided, single submitter. Criteria: ACMG Guidelines, 2015. Collection method: clinical testing. Allele origin: somatic.
Comment: A TEK c.2865G>C (p.Leu955Phe) variant was identified at an allelic fraction consistent with somatic origin. This variant, to our knowledge, has not been reported in the medical literature. This variant is only observed on 1/628,506 alleles in the general population (gnomAD v.4.0.0), indicating it is not a common variant. It resides within a region, the tyrosine kinase catalytic domain, of TEK that is defined as a critical functional domain (Paolacci S et al., PMID: 33105631; Shewchuk LM et al., PMID: 11080633). Computational predictors indicate that the variant is damaging, evidence that correlates with impact TEK function. Based on an internally-developed protocol informed by the ACMG/AMP guidelines for variant interpretation (Richards S et al., PMID: 25741868) and gene-specific practices from the ClinGen Criteria Specification Registry, the this variant is classified as a variant of uncertain significance.

Blueprint Genetics
Classification: Uncertain significance. Last evaluated: 2022-06-08. Review status: criteria provided, single submitter. Criteria: ACMG Guidelines, 2015. Collection method: clinical testing. Allele origin: germline.